The following is an entry in ClinVar:

NM_001270.4(CHD1):c.3572-4C>A

Gene: CHD1 (chromodomain helicase DNA binding protein 1; minus strand). Cytogenetic location: 5q15.
Variant type: single nucleotide variant.
Coding change: c.3572-4C>A on transcript NM_001270.4 (MANE Select); 4 bases into the intron before coding-DNA position 3572, C replaced by A.
Molecular consequence: intron variant.
Genome position (GRCh38, 1-based): chr5:98,872,559, G>T on the plus strand (C>A on the coding strand, the complement: CHD1 is on the minus strand). VCF-style: chr5-98872559-G-T. GRCh37 (hg19) VCF-style: chr5-98208263-G-T.
Other names: c.3572-4C>A (NM_001376194.2, NM_001364113.3).
Identifiers: ClinVar variation 2655612 (VCV002655612.24), dbSNP rs1296570421, ClinGen allele CA2695198703.

ClinVar aggregate classification (germline): Uncertain significance (1 of 4 stars; one submission).

Submission:

CeGaT Center for Human Genetics Tuebingen
Classification: Uncertain significance. Last evaluated: 2022-05-01. Review status: criteria provided, single submitter. Criteria: CeGaT Center For Human Genetics Tuebingen Variant Classification Criteria Version 2. Collection method: clinical testing. Allele origin: germline. Affected: yes. Observed: 1 variant allele.
Comment: CHD1: PM2, BP4